The following is an entry in ClinVar:

NM_001856.4(COL16A1):c.1193A>G (p.Lys398Arg)

Gene: COL16A1 (collagen type XVI alpha 1 chain; minus strand). Cytogenetic location: 1p35.2.
Variant type: single nucleotide variant.
Coding change: c.1193A>G on transcript NM_001856.4 (MANE Select); coding-DNA position 1193, A replaced by G.
Protein change: p.Lys398Arg; replaces lysine 398 with arginine.
Molecular consequence: missense variant.
Genome position (GRCh38, 1-based): chr1:31,692,475, T>C on the plus strand (A>G on the coding strand, the complement: COL16A1 is on the minus strand). VCF-style: chr1-31692475-T-C. GRCh37 (hg19) VCF-style: chr1-32158076-T-C.
Other names: NC_000001.10:g.32158076T>C; short protein forms K398R.
Identifiers: ClinVar variation 771840 (VCV000771840.29), dbSNP rs115606583, ClinGen allele CA734316.

ClinVar aggregate classification (germline): Likely benign. Review status: criteria provided, multiple submitters, no conflicts (2 of 4 stars). 3 submissions from 3 submitters: Likely benign (3). Last evaluated 2023-03-01.

Allele frequency attached by ClinVar (database versions not stated): 1000 Genomes Project 0.00280; 1000 Genomes Project 30x 0.00297; gnomAD 0.00487 and 0.00493; ExAC 0.00515; TOPMed 0.00532; gnomAD exomes 0.00541 and 0.00656; ESP Exome Variant Server 0.00656.
gnomAD v4.1: 10,370 of 1,613,108 alleles (0.64%); highest among the groups gnomAD compares: Non-Finnish European, 0.73%; 42 homozygotes.

Submissions (7):

CeGaT Center for Human Genetics Tuebingen
Classification: Likely benign. Last evaluated: 2023-03-01. Review status: criteria provided, single submitter. Criteria: CeGaT Center For Human Genetics Tuebingen Variant Classification Criteria Version 2. Collection method: clinical testing. Allele origin: germline. Affected: yes. Observed: 1 variant allele.
Comment: COL16A1: BS2

Labcorp Genetics (formerly Invitae), Labcorp
Classification: Likely benign. Last evaluated: 2018-05-08. Review status: criteria provided, single submitter. Criteria: Invitae Variant Classification Sherloc (09022015). Collection method: clinical testing. Allele origin: germline.

Breakthrough Genomics
Classification: Likely benign. Review status: criteria provided, single submitter. Criteria: ACMG Guidelines, 2015. Collection method: not provided. Allele origin: germline. Inheritance: Unknown mechanism. Affected: yes.

Dr. Peter K. Rogan Lab, Western University
No classification provided (evidence only). Condition: Uterine corpus endometrial carcinoma. Review status: no classification provided. Collection method: in vitro. Allele origin: not applicable. Functional consequence: retained intron. Not counted in ClinVar's aggregate classification.

Dr. Peter K. Rogan Lab, Western University
No classification provided (evidence only). Condition: Sarcoma. Review status: no classification provided. Collection method: in vitro. Allele origin: not applicable. Functional consequence: retained intron. Not counted in ClinVar's aggregate classification.

Dr. Peter K. Rogan Lab, Western University
No classification provided (evidence only). Condition: Cholangiocarcinoma. Review status: no classification provided. Collection method: in vitro. Allele origin: not applicable. Functional consequence: retained intron. Not counted in ClinVar's aggregate classification.

Dr. Peter K. Rogan Lab, Western University
No classification provided (evidence only). Condition: Familial pancreatic carcinoma. Review status: no classification provided. Collection method: in vitro. Allele origin: not applicable. Functional consequence: retained intron. Not counted in ClinVar's aggregate classification.